The following is an entry in ClinVar:

ClinVar aggregate classification (germline): Uncertain significance (1 of 4 stars; one submission).

Conditions:
Purine-nucleoside phosphorylase deficiency. Also called: NUCLEOSIDE PHOSPHORYLASE DEFICIENCY; Immunodeficiency due to purine nucleoside phosphorylase deficiency. Identifiers: Orphanet 760, MedGen C0268125, MONDO:0013171, OMIM 613179.

Submission:

Labcorp Genetics (formerly Invitae), Labcorp
Classification: Uncertain significance for Purine-nucleoside phosphorylase deficiency. Last evaluated: 2021-07-06. Review status: criteria provided, single submitter. Criteria: Invitae Variant Classification Sherloc (09022015). Collection method: clinical testing. Allele origin: germline.
Comment: This sequence change replaces glycine with serine at codon 107 of the PNP protein (p.Gly107Ser). The glycine residue is highly conserved and there is a small physicochemical difference between glycine and serine. This variant is not present in population databases (ExAC no frequency). This variant has not been reported in the literature in individuals affected with PNP-related conditions. Algorithms developed to predict the effect of missense changes on protein structure and function are either unavailable or do not agree on the potential impact of this missense change (SIFT: "Deleterious"; PolyPhen-2: "Probably Damaging"; Align-GVGD: "Class C0"). In summary, the available evidence is currently insufficient to determine the role of this variant in disease. Therefore, it has been classified as a Variant of Uncertain Significance.

NM_000270.4(PNP):c.319G>A (p.Gly107Ser)

Gene: PNP (purine nucleoside phosphorylase; plus strand). Cytogenetic location: 14q11.2.
Variant type: single nucleotide variant.
Coding change: c.319G>A on transcript NM_000270.4 (MANE Select); coding-DNA position 319, G replaced by A.
Protein change: p.Gly107Ser; replaces glycine 107 with serine.
Molecular consequence: missense variant.
Genome position (GRCh38, 1-based): chr14:20,474,806, G>A. VCF-style: chr14-20474806-G-A. GRCh37 (hg19) VCF-style: chr14-20942965-G-A.
Other names: short protein forms G107S.
Identifiers: ClinVar variation 1503788 (VCV001503788.8), dbSNP rs2139337947, ClinGen allele CA389145142.